The following is an entry in ClinVar:

ClinVar aggregate classification (germline): Uncertain significance (1 of 4 stars; one submission).

Conditions:
Congenital contractural arachnodactyly (CCA). Also called: BEALS SYNDROME; Beals-Hecht syndrome; Arthrogryposis, distal, type 9. Identifiers: Orphanet 115, MedGen C0220668, MONDO:0007363, OMIM 121050.

Submission:

Labcorp Genetics (formerly Invitae), Labcorp
Classification: Uncertain significance for Congenital contractural arachnodactyly. Last evaluated: 2025-06-23. Review status: criteria provided, single submitter. Criteria: Invitae Variant Classification Sherloc (09022015). Collection method: clinical testing. Allele origin: germline.
Comment: This variant, c.131_133dup, results in the insertion of 1 amino acid(s) of the FBN2 protein (p.Pro44dup), but otherwise preserves the integrity of the reading frame. The frequency data for this variant in the population databases is considered unreliable, as metrics indicate poor data quality at this position in the gnomAD database. This variant has not been reported in the literature in individuals affected with FBN2-related conditions. Experimental studies and prediction algorithms are not available or were not evaluated, and the functional significance of this variant is currently unknown. In summary, the available evidence is currently insufficient to determine the role of this variant in disease. Therefore, it has been classified as a Variant of Uncertain Significance.

NM_001999.4(FBN2):c.125CGC[4] (p.Pro44_Gln45insPro)

Gene: FBN2 (fibrillin 2; minus strand). Cytogenetic location: 5q23.3.
Variant type: Microsatellite.
Coding change: c.125CGC[4] on transcript NM_001999.4 (MANE Select); four copies in a row of the 3-base unit CGC starting at c.125; the reference has three copies in a row; one copy, 3 bases duplicated.
Protein change: p.Pro44_Gln45insPro.
Molecular consequence: inframe insertion.
Genome position (GRCh38, 1-based): chr5:128,537,471-128,537,473, GCG duplicated on the plus strand (CGC on the coding strand, the reverse complement: FBN2 is on the minus strand); duplicating any 3 consecutive bases within chr5:128,537,471-128,537,481 gives the same sequence; the position shown is the placement nearest the transcript's 3' end. VCF-style (leftmost placement, unchanged base first): chr5-128537470-T-TGCG. GRCh37 (hg19) VCF-style: chr5-127873163-T-TGCG.
Identifiers: ClinVar variation 4797822 (VCV004797822.1).